The following is an entry in ClinVar:

NM_001029.5(RPS26):c.88del (p.Val30fs)

Gene: RPS26 (ribosomal protein S26; plus strand). Cytogenetic location: 12q13.2.
Variant type: Deletion.
Coding change: c.88del on transcript NM_001029.5 (MANE Select); coding-DNA position 88, one base deleted (G; older notation c.88delG).
Protein change: p.Val30fs; shifts the reading frame from valine 30.
Molecular consequence: frameshift variant.
Genome position (GRCh38, 1-based): chr12:56,042,509, G deleted. VCF-style (leftmost placement, unchanged base first): chr12-56042508-CG-C. GRCh37 (hg19) VCF-style: chr12-56436292-CG-C.
Other names: short protein forms V30fs.
Identifiers: ClinVar variation 1765045 (VCV001765045.2), dbSNP rs2540722839, ClinGen allele CA2580086509.

ClinVar aggregate classification (germline): Pathogenic (1 of 4 stars; one submission).

Conditions:
Diamond-Blackfan anemia. Also called: Blackfan Diamond syndrome; Aregenerative anemia chronic congenital; Red cell aplasia, pure hereditary; Congenital hypoplastic anemia; Aase syndrome. Identifiers: Orphanet 124, MedGen C1260899, MeSH D029503, MONDO:0015253, HP:0004810.

Submission:

Ambry Genetics
Classification: Pathogenic for Diamond-Blackfan anemia. Last evaluated: 2014-10-24. Review status: criteria provided, single submitter. Criteria: Ambry Variant Classification Scheme 2023. Collection method: clinical testing. Allele origin: germline.
Comment: The c.88delG pathogenic mutation, located in coding exon 2 of the RPS26 gene, results from a deletion of one nucleotide at nucleotide position 88, causing a translational frameshift with a predicted alternate stop codon (p.V30Cfs*15). Since frameshifts are typically deleterious in nature, this alteration is interpreted as a disease-causing mutation (ACMG Recommendations for Standards for Interpretation and Reporting of Sequence Variations. Revision 2007. Genet Med. 2008;10:294).